The following is an entry in ClinVar:

ClinVar aggregate classification (germline): Benign. Review status: criteria provided, single submitter (1 of 4 stars). 2 submissions from 2 submitters: Benign (1). 1 of the submissions does not count toward it. Last evaluated 2026-02-01.

Conditions:
ERBIN-related disorder. Also called: ERBIN-related condition.

Allele frequency attached by ClinVar (database versions not stated): gnomAD exomes 0.00041; 1000 Genomes Project 0.00459; gnomAD 0.00463; TOPMed 0.00506; 1000 Genomes Project 30x 0.00547; ESP Exome Variant Server 0.00646.
gnomAD v4.1: 1,270 of 1,577,074 alleles (0.081%); highest among the groups gnomAD compares: African/African-American, 1.6%; 9 homozygotes.

Submissions (2):

Labcorp Genetics (formerly Invitae), Labcorp
Classification: Benign. Last evaluated: 2026-02-01. Review status: criteria provided, single submitter. Criteria: Invitae Variant Classification Sherloc (09022015). Collection method: clinical testing. Allele origin: germline.

PreventionGenetics, part of Exact Sciences
Classification: Likely benign for ERBIN-related condition. Last evaluated: 2020-03-19. Review status: no assertion criteria provided. Collection method: clinical testing. Allele origin: germline. Not counted in ClinVar's aggregate classification.
Comment: This variant is classified as likely benign based on ACMG/AMP sequence variant interpretation guidelines (Richards et al. 2015 PMID: 25741868, with internal and published modifications).

NM_001253697.2(ERBIN):c.1306+6A>G

Gene: ERBIN (erbb2 interacting protein; plus strand). Cytogenetic location: 5q12.3.
Variant type: single nucleotide variant.
Coding change: c.1306+6A>G on transcript NM_001253697.2 (MANE Select); 6 bases into the intron after coding-DNA position 1306, A replaced by G.
Molecular consequence: intron variant.
Genome position (GRCh38, 1-based): chr5:66,038,488, A>G. VCF-style: chr5-66038488-A-G. GRCh37 (hg19) VCF-style: chr5-65334316-A-G.
Other names: c.1306+6A>G (NM_001006600.2, NM_001253699.2, NM_018695.4 and 3 more transcripts).
Identifiers: ClinVar variation 1164728 (VCV001164728.11), dbSNP rs138227361, ClinGen allele CA3286214.